The following is an entry in ClinVar:

ClinVar aggregate classification (germline): Uncertain significance (1 of 4 stars; one submission).

Conditions:
Inborn genetic diseases. Identifiers: MedGen C0950123, MeSH D030342.

gnomAD v4.1: 1 of 1,576,226 alleles (0.000063%); highest among the groups gnomAD compares: Non-Finnish European, 0.000087%; no homozygotes.

Submission:

Ambry Genetics
Classification: Uncertain significance for Inborn genetic diseases. Last evaluated: 2026-07-04. Review status: criteria provided, single submitter. Criteria: Ambry Variant Classification Scheme 2023. Collection method: clinical testing. Allele origin: germline.
Comment: The p.N26Y variant (also known as c.76A>T), located in coding exon 2 of the RUNX1 gene, results from an A to T substitution at nucleotide position 76. The asparagine at codon 26 is replaced by tyrosine, an amino acid with dissimilar properties. This amino acid position is conserved. In addition, the in silico prediction for this alteration is inconclusive. Based on the available evidence, the clinical significance of this variant remains unclear.

NM_001754.5(RUNX1):c.76A>T (p.Asn26Tyr)

Gene: RUNX1 (RUNX family transcription factor 1; minus strand). Cytogenetic location: 21q22.12.
Variant type: single nucleotide variant.
Coding change: c.76A>T on transcript NM_001754.5 (MANE Select); coding-DNA position 76, A replaced by T.
Protein change: p.Asn26Tyr; replaces asparagine 26 with tyrosine.
Molecular consequence: missense variant.
Genome position (GRCh38, 1-based): chr21:34,892,946, T>A on the plus strand (A>T on the coding strand, the complement: RUNX1 is on the minus strand). VCF-style: chr21-34892946-T-A. GRCh37 (hg19) VCF-style: chr21-36265243-T-A.
Other names: short protein forms N26Y.
Identifiers: ClinVar variation 5028567 (VCV005028567.1).